The following is an entry in ClinVar:

ClinVar aggregate classification (germline): Likely benign (0 of 4 stars; one submission).

Conditions:
SLC11A1-related disorder. Also called: SLC11A1-related condition.

Allele frequency attached by ClinVar (database versions not stated): 1000 Genomes Project 0.00060; 1000 Genomes Project 30x 0.00062; ExAC 0.00087; gnomAD 0.00125; ESP Exome Variant Server 0.00131; TOPMed 0.00139; gnomAD exomes 0.00204.
gnomAD v4.1: 3,193 of 1,614,106 alleles (0.2%); highest among the groups gnomAD compares: Non-Finnish European, 0.25%; 9 homozygotes.

Submission:

PreventionGenetics, part of Exact Sciences
Classification: Likely benign for SLC11A1-related condition. Last evaluated: 2023-05-27. Review status: no assertion criteria provided. Collection method: clinical testing. Allele origin: germline.
Comment: This variant is classified as likely benign based on ACMG/AMP sequence variant interpretation guidelines (Richards et al. 2015 PMID: 25741868, with internal and published modifications).

NM_000578.4(SLC11A1):c.875T>C (p.Leu292Pro)

Gene: SLC11A1 (solute carrier family 11 member 1; plus strand). Cytogenetic location: 2q35.
Variant type: single nucleotide variant.
Coding change: c.875T>C on transcript NM_000578.4 (MANE Select); coding-DNA position 875, T replaced by C.
Protein change: p.Leu292Pro; replaces leucine 292 with proline.
Molecular consequence: missense variant.
Genome position (GRCh38, 1-based): chr2:218,389,949, T>C. VCF-style: chr2-218389949-T-C. GRCh37 (hg19) VCF-style: chr2-219254672-T-C.
Other names: short protein forms L292P.
Identifiers: ClinVar variation 3033569 (VCV003033569.2), dbSNP rs145536242, ClinGen allele CA2105106.